The following is an entry in ClinVar:

NM_001322934.2(NFKB2):c.1286C>A (p.Thr429Asn)

Genes: NFKB2 (nuclear factor kappa B subunit 2; plus strand), LOC130004599 (ATAC-STARR-seq lymphoblastoid silent region 2756; plus strand). Cytogenetic location: 10q24.32.
Variant type: single nucleotide variant.
Coding change: c.1286C>A on transcript NM_001322934.2 (MANE Select); coding-DNA position 1286, C replaced by A.
Protein change: p.Thr429Asn; replaces threonine 429 with asparagine.
Molecular consequence: missense variant.
Genome position (GRCh38, 1-based): chr10:102,399,456, C>A. VCF-style: chr10-102399456-C-A. GRCh37 (hg19) VCF-style: chr10-104159213-C-A.
Other names: c.1286C>A, p.Thr429Asn (NM_001077493.1, NM_001077494.3, NM_001261403.3 and 2 more transcripts); c.1160C>A, p.Thr387Asn (NM_001322935.1); short protein forms T429N, T387N.
Identifiers: ClinVar variation 2776314 (VCV002776314.3), dbSNP rs1458287262, ClinGen allele CA377899286.

ClinVar aggregate classification (germline): Uncertain significance (1 of 4 stars; one submission).

Conditions:
Immunodeficiency, common variable, 10. Also called: DEFICIT IN ANTERIOR PITUITARY FUNCTION AND VARIABLE IMMUNODEFICIENCY; IMMUNODEFICIENCY, COMMON VARIABLE, WITH CENTRAL ADRENAL INSUFFICIENCY. Identifiers: MedGen C3809991, MONDO:0014260, OMIM 615577.

Submission:

Labcorp Genetics (formerly Invitae), Labcorp
Classification: Uncertain significance for Immunodeficiency, common variable, 10. Last evaluated: 2023-12-01. Review status: criteria provided, single submitter. Criteria: Invitae Variant Classification Sherloc (09022015). Collection method: clinical testing. Allele origin: germline.
Comment: This sequence change replaces threonine, which is neutral and polar, with asparagine, which is neutral and polar, at codon 429 of the NFKB2 protein (p.Thr429Asn). This variant is not present in population databases (gnomAD no frequency). This variant has not been reported in the literature in individuals affected with NFKB2-related conditions. Algorithms developed to predict the effect of missense changes on protein structure and function output the following: SIFT: "Not Available"; PolyPhen-2: "Benign"; Align-GVGD: "Not Available". The asparagine amino acid residue is found in multiple mammalian species, which suggests that this missense change does not adversely affect protein function. In summary, the available evidence is currently insufficient to determine the role of this variant in disease. Therefore, it has been classified as a Variant of Uncertain Significance.